The following is an entry in ClinVar:

ClinVar aggregate classification (germline): Uncertain significance (1 of 4 stars; one submission).

Conditions:
SPTB-related disorder. Also called: SPTB-Related Disorders; SPTB-related condition.

Allele frequency attached by ClinVar (database versions not stated): ExAC 0.00001; gnomAD 0.00002; TOPMed 0.00002.
gnomAD v4.1: 38 of 1,613,726 alleles (0.0024%); highest among the groups gnomAD compares: Non-Finnish European, 0.0031%; no homozygotes.

Submission:

PreventionGenetics, part of Exact Sciences
Classification: Uncertain significance for SPTB-related condition. Last evaluated: 2026-09-08. Review status: criteria provided, single submitter. Criteria: ACMG Guidelines, 2015. Collection method: clinical testing. Allele origin: germline.
Comment: The SPTB c.1157G>C variant is predicted to result in the amino acid substitution p.Gly386Ala. To our knowledge, this variant has not been reported in the literature. This variant is reported in 0.0035% of alleles in individuals of European (Non-Finnish) descent in gnomAD. At this time, the clinical significance of this variant is uncertain due to the absence of conclusive functional and genetic evidence.

NM_001355436.2(SPTB):c.1157G>C (p.Gly386Ala)

Gene: SPTB (spectrin beta, erythrocytic; minus strand). Cytogenetic location: 14q23.3.
Variant type: single nucleotide variant.
Coding change: c.1157G>C on transcript NM_001355436.2 (MANE Select); coding-DNA position 1157, G replaced by C.
Protein change: p.Gly386Ala; replaces glycine 386 with alanine.
Molecular consequence: missense variant.
Genome position (GRCh38, 1-based): chr14:64,797,754, C>G on the plus strand (G>C on the coding strand, the complement: SPTB is on the minus strand). VCF-style: chr14-64797754-C-G. GRCh37 (hg19) VCF-style: chr14-65264472-C-G.
Other names: c.1157G>C, p.Gly386Ala (NM_001024858.4, NM_001355437.2); short protein forms G386A.
Identifiers: ClinVar variation 2636218 (VCV002636218.2), dbSNP rs761256991, ClinGen allele CA7231207.